The following is an entry in ClinVar:

ClinVar aggregate classification (germline): Pathogenic, low penetrance (1 of 4 stars; one submission).

Conditions:
Atypical hemolytic-uremic syndrome. Identifiers: Orphanet 2134, MedGen C2931788, MONDO:0016244.

gnomAD v4.1: 1 of 1,612,806 alleles (0.000062%); highest among the groups gnomAD compares: Non-Finnish European, 0.000085%; no homozygotes.

Submission:

Genomenon, Inc
Classification: Pathogenic, low penetrance for Atypical hemolytic-uremic syndrome. Last evaluated: 2025-10-02. Review status: criteria provided, single submitter. Criteria: Genomenon Sequence Variant Interpretation Standards - Updated. Collection method: curation. Allele origin: germline. Affected: yes.
Comment: CFH p.Trp314Ter (c.942G>A) is a nonsense variant that introduces a premature stop codon at amino acid position 314, creating a truncated protein that is predicted to undergo nonsense-mediated mRNA decay. This variant has been observed in at least one proband affected with atypical hemolytic-uremic syndrome (PMID:25899302). It is absent or not present at a significant frequency in gnomAD. In conclusion, we classify CFH p.Trp314Ter (c.942G>A) as a pathogenic, low penetrance variant.

Literature cited by the submitters: PubMed 25899302.

NM_000186.4(CFH):c.942G>A (p.Trp314Ter)

Gene: CFH (complement factor H; plus strand). Cytogenetic location: 1q31.3.
Variant type: single nucleotide variant.
Coding change: c.942G>A on transcript NM_000186.4 (MANE Select); coding-DNA position 942, G replaced by A.
Protein change: p.Trp314Ter; replaces tryptophan 314 with a stop codon.
Molecular consequence: nonsense.
Genome position (GRCh38, 1-based): chr1:196,685,215, G>A. VCF-style: chr1-196685215-G-A. GRCh37 (hg19) VCF-style: chr1-196654345-G-A.
Other names: c.942G>A, p.Trp314Ter (NM_001014975.3); short protein forms W314*.
Identifiers: ClinVar variation 4291335 (VCV004291335.1).
Genomic context (GRCh38, chr1:196,685,215, plus strand): 5'-TAGAAATGGTTTTTATCCTGCAACCCGGGGAAATACAGCAAAATGCACAAGTACTGGCTG[G>A]ATACCTGCTCCGAGATGTACCTGTAAGTTCCATTCATATCTTGACCCATTTCTTAATTCT-3'